The following is an entry in ClinVar:

NM_014141.6(CNTNAP2):c.3271C>G (p.Leu1091Val)

Gene: CNTNAP2 (contactin associated protein 2; plus strand). Cytogenetic location: 7q36.1.
Variant type: single nucleotide variant.
Coding change: c.3271C>G on transcript NM_014141.6 (MANE Select); coding-DNA position 3271, C replaced by G.
Protein change: p.Leu1091Val; replaces leucine 1091 with valine.
Molecular consequence: missense variant.
Genome position (GRCh38, 1-based): chr7:148,229,669, C>G. VCF-style: chr7-148229669-C-G. GRCh37 (hg19) VCF-style: chr7-147926761-C-G.
Other names: short protein forms L1091V.
Identifiers: ClinVar variation 423625 (VCV000423625.36), dbSNP rs756994633, ClinGen allele CA4546605.
Genomic context (GRCh38, chr7:148,229,669, plus strand): 5'-GCAAACAAATTACTGAGCTTTCTTTTTTCTTCTATAGGAAGCTTACAGATTCGATACAAC[C>G]TGGGTGGCACCCGAGAGCCATACAATATTGACGTAGACCACAGGAACATGGCCAATGGAC-3'
Protein context (NP_054860.1, residues 1081-1101): PTGSLQIRYN[Leu1091Val]GGTREPYNID

ClinVar aggregate classification (germline): Conflicting classifications of pathogenicity. Review status: criteria provided, conflicting classifications (1 of 4 stars). 5 submissions from 5 submitters: Uncertain significance (4); Likely benign (1). Last evaluated 2024-08-28.

Conditions:
Inborn genetic diseases. Identifiers: MedGen C0950123, MeSH D030342.
Autism, susceptibility to, 15. Also called: Autism susceptibility 15. Identifiers: MedGen C2677504, MONDO:0012801, OMIM 612100.
Cortical dysplasia-focal epilepsy syndrome (PTHSL1). Also called: Pitt-Hopkins-like syndrome 1. Identifiers: Orphanet 163681, Orphanet 221150, MedGen C2750246, MONDO:0012400, OMIM 610042.

Allele frequency attached by ClinVar (database versions not stated): gnomAD exomes 0.00001; ExAC 0.00002; gnomAD 0.00004 and 0.00005; TOPMed 0.00005.
gnomAD v4.1: 15 of 1,613,996 alleles (0.00093%); highest among the groups gnomAD compares: African/African-American, 0.019%; no homozygotes.

Submissions (5):

Ambry Genetics
Classification: Uncertain significance for Inborn genetic diseases. Last evaluated: 2024-08-28. Review status: criteria provided, single submitter. Criteria: Ambry Variant Classification Scheme 2023. Collection method: clinical testing. Allele origin: germline.

CeGaT Center for Human Genetics Tuebingen
Classification: Likely benign. Last evaluated: 2022-10-01. Review status: criteria provided, single submitter. Criteria: CeGaT Center For Human Genetics Tuebingen Variant Classification Criteria Version 2. Collection method: clinical testing. Allele origin: germline. Affected: yes. Observed: 1 variant allele.
Comment: CNTNAP2: BP4

Labcorp Genetics (formerly Invitae), Labcorp
Classification: Uncertain significance for Cortical dysplasia-focal epilepsy syndrome. Last evaluated: 2022-06-13. Review status: criteria provided, single submitter. Criteria: Invitae Variant Classification Sherloc (09022015). Collection method: clinical testing. Allele origin: germline.
Comment: This sequence change replaces leucine, which is neutral and non-polar, with valine, which is neutral and non-polar, at codon 1091 of the CNTNAP2 protein (p.Leu1091Val). This variant is present in population databases (rs756994633, gnomAD 0.02%). This variant has not been reported in the literature in individuals affected with CNTNAP2-related conditions. ClinVar contains an entry for this variant (Variation ID: 423625). Algorithms developed to predict the effect of missense changes on protein structure and function (SIFT, PolyPhen-2, Align-GVGD) all suggest that this variant is likely to be disruptive. Algorithms developed to predict the effect of sequence changes on RNA splicing suggest that this variant may create or strengthen a splice site. In summary, the available evidence is currently insufficient to determine the role of this variant in disease. Therefore, it has been classified as a Variant of Uncertain Significance.

Fulgent Genetics
Classification: Uncertain significance for Cortical dysplasia-focal epilepsy syndrome; Autism, susceptibility to, 15. Last evaluated: 2022-05-02. Review status: criteria provided, single submitter. Criteria: ACMG Guidelines, 2015. Collection method: clinical testing. Allele origin: unknown.

GeneDx
Classification: Uncertain significance. Last evaluated: 2020-05-14. Review status: criteria provided, single submitter. Criteria: GeneDx Variant Classification Process June 2021. Collection method: clinical testing. Allele origin: germline. Affected: yes.
Comment: In silico analysis supports that this missense variant does not alter protein structure/function; Has not been previously published as pathogenic or benign to our knowledge